The following is an entry in ClinVar:

NM_014639.4(SKIC3):c.2942del (p.Pro981fs)

Gene: SKIC3 (SKI3 subunit of superkiller complex; minus strand). Cytogenetic location: 5q15.
Variant type: Deletion.
Coding change: c.2942del on transcript NM_014639.4 (MANE Select); coding-DNA position 2942, one base deleted (C; older notation c.2942delC).
Protein change: p.Pro981fs; shifts the reading frame from proline 981.
Molecular consequence: frameshift variant.
Genome position (GRCh38, 1-based): chr5:95,509,666, G deleted on the plus strand (C on the coding strand, the reverse complement: SKIC3 is on the minus strand); the first of 4 consecutive G bases (chr5:95,509,666-95,509,669); deleting any one gives the same sequence. VCF-style (leftmost placement, unchanged base first): chr5-95509665-TG-T. GRCh37 (hg19) VCF-style: chr5-94845369-TG-T.
Other names: short protein forms P981fs.
Identifiers: ClinVar variation 3642605 (VCV003642605.2).

ClinVar aggregate classification (germline): Pathogenic (1 of 4 stars; one submission).

Submission:

Labcorp Genetics (formerly Invitae), Labcorp
Classification: Pathogenic. Last evaluated: 2024-03-01. Review status: criteria provided, single submitter. Criteria: Invitae Variant Classification Sherloc (09022015). Collection method: clinical testing. Allele origin: germline.
Comment: This sequence change creates a premature translational stop signal (p.Pro981Glnfs*9) in the TTC37 gene. It is expected to result in an absent or disrupted protein product. Loss-of-function variants in TTC37 are known to be pathogenic (PMID: 20176027, 21120949). This variant is not present in population databases (gnomAD no frequency). This variant has not been reported in the literature in individuals affected with TTC37-related conditions. For these reasons, this variant has been classified as Pathogenic.

Literature cited by the submitters: PubMed 20176027; PubMed 21120949.